The following is an entry in ClinVar:

NM_014956.5(CEP164):c.1237T>C (p.Phe413Leu)

Gene: CEP164 (centrosomal protein 164; plus strand). Cytogenetic location: 11q23.3.
Variant type: single nucleotide variant.
Coding change: c.1237T>C on transcript NM_014956.5 (MANE Select); coding-DNA position 1237, T replaced by C.
Protein change: p.Phe413Leu; replaces phenylalanine 413 with leucine.
Molecular consequence: missense variant.
Genome position (GRCh38, 1-based): chr11:117,375,711, T>C. VCF-style: chr11-117375711-T-C. GRCh37 (hg19) VCF-style: chr11-117246427-T-C.
Other names: c.1159T>C, p.Phe387Leu (NM_001440969.1, NM_001440973.1, NM_001440974.1 and 16 more transcripts); c.1237T>C, p.Phe413Leu (NM_001440970.1, NM_001440971.1, NM_001440978.1 and 16 more transcripts); c.1078T>C, p.Phe360Leu (NM_001440972.1); c.1099T>C, p.Phe367Leu (NM_001440960.1); short protein forms F360L, F387L, F367L, F413L.
Identifiers: ClinVar variation 4988357 (VCV004988357.1).
Genomic context (GRCh38, chr11:117,375,711, plus strand): 5'-GGTGGGTGTTGACTGTGACAGAGGCAGAGTTGACCTTTGCATCTCCACTGTCTCCAGGAC[T>C]TCGGTTTTCGCAGCCGGATCTCGGAGCACCTGCTGGATGTTGATGTGCTTTCCCCAGTCC-3'
Protein context (NP_055771.4, residues 403-423): SDPKSFHGLD[Phe413Leu]GFRSRISEHL

ClinVar aggregate classification (germline): Uncertain significance (1 of 4 stars; one submission).

Conditions:
CEP164-related disorder. Also called: CEP164-related condition.

Submission:

PreventionGenetics, part of Exact Sciences
Classification: Uncertain significance for CEP164-related condition. Last evaluated: 2025-04-30. Review status: criteria provided, single submitter. Criteria: ACMG Guidelines, 2015. Collection method: clinical testing. Allele origin: germline.
Comment: The CEP164 c.1237T>C variant is predicted to result in the amino acid substitution p.Phe413Leu. To our knowledge, this variant has not been reported in the literature or in a large population database (gnomAD), indicating this variant is rare. At this time, the clinical significance of this variant is uncertain due to the absence of conclusive functional and genetic evidence.